The following is an entry in ClinVar:

ClinVar aggregate classification (germline): Uncertain significance. Review status: criteria provided, multiple submitters, no conflicts (2 of 4 stars). 3 submissions from 3 submitters: Uncertain significance (3). Last evaluated 2025-01-21.

Conditions:
Inborn genetic diseases. Identifiers: MedGen C0950123, MeSH D030342.
Leigh syndrome (NULS). Also called: Leigh Disease; Subacute necrotizing encephalopathy; Necrotizing encephalopathy infantile subacute of Leigh; Leigh's syndrome; Leigh's necrotizing encephalopathy; Leigh's disease. Identifiers: Orphanet 506, MedGen C2931891, MONDO:0009723, OMIM 256000.

Allele frequency attached by ClinVar (database versions not stated): TOPMed 0.00002; gnomAD 0.00003; gnomAD exomes 0.00005; ExAC 0.00007.

Submissions (3):

Ambry Genetics
Classification: Uncertain significance for Inborn genetic diseases. Last evaluated: 2025-01-21. Review status: criteria provided, single submitter. Criteria: Ambry Variant Classification Scheme 2023. Collection method: clinical testing. Allele origin: germline.

Labcorp Genetics (formerly Invitae), Labcorp
Classification: Uncertain significance for Leigh syndrome. Last evaluated: 2022-06-13. Review status: criteria provided, single submitter. Criteria: Invitae Variant Classification Sherloc (09022015). Collection method: clinical testing. Allele origin: germline.
Comment: This sequence change replaces methionine, which is neutral and non-polar, with valine, which is neutral and non-polar, at codon 110 of the SURF1 protein (p.Met110Val). This variant is present in population databases (rs782754332, gnomAD 0.008%). This variant has not been reported in the literature in individuals affected with SURF1-related conditions. ClinVar contains an entry for this variant (Variation ID: 914559). Algorithms developed to predict the effect of missense changes on protein structure and function output the following: SIFT: "Tolerated"; PolyPhen-2: "Benign"; Align-GVGD: "Class C0". The valine amino acid residue is found in multiple mammalian species, which suggests that this missense change does not adversely affect protein function. In summary, the available evidence is currently insufficient to determine the role of this variant in disease. Therefore, it has been classified as a Variant of Uncertain Significance.

Illumina Laboratory Services, Illumina
Classification: Uncertain significance for Leigh syndrome. Last evaluated: 2018-01-12. Review status: criteria provided, single submitter. Criteria: ICSL Variant Classification Criteria 13 December 2019. Collection method: clinical testing. Allele origin: germline.

NM_003172.4(SURF1):c.328A>G (p.Met110Val)

Gene: SURF1 (SURF1 cytochrome c oxidase assembly factor; minus strand). Cytogenetic location: 9q34.2.
Variant type: single nucleotide variant.
Coding change: c.328A>G on transcript NM_003172.4 (MANE Select); coding-DNA position 328, A replaced by G.
Protein change: p.Met110Val; replaces methionine 110 with valine.
Molecular consequence: missense variant. On other transcripts: initiator codon variant (1).
Genome position (GRCh38, 1-based): chr9:133,353,936, T>C on the plus strand (A>G on the coding strand, the complement: SURF1 is on the minus strand). VCF-style: chr9-133353936-T-C. GRCh37 (hg19) VCF-style: chr9-136220791-T-C.
Other names: c.328A>G (NM_003172.2); c.1A>G, p.Met1Val (NM_001280787.1); short protein forms M110V, M1V.
Identifiers: ClinVar variation 914559 (VCV000914559.11), dbSNP rs782754332, ClinGen allele CA200833088.